The following is an entry in ClinVar:

NM_001378687.1(ATP2C1):c.2335dup (p.Ile779fs)

Gene: ATP2C1 (ATPase secretory pathway Ca2+ transporting 1; plus strand). Cytogenetic location: 3q22.1.
Variant type: Duplication.
Coding change: c.2335dup on transcript NM_001378687.1 (MANE Select); coding-DNA position 2335, one base duplicated (A; older notation c.2335dupA).
Protein change: p.Ile779fs; shifts the reading frame from isoleucine 779.
Molecular consequence: frameshift variant.
Genome position (GRCh38, 1-based): chr3:130,997,697, A duplicated; the last of 4 consecutive A bases (chr3:130,997,694-130,997,697); duplicating any one gives the same sequence. VCF-style (leftmost placement, unchanged base first): chr3-130997693-T-TA. GRCh37 (hg19) VCF-style: chr3-130716537-T-TA.
Other names: c.2335dup, p.Ile779fs (NM_001001485.3, NM_001001486.2, NM_001001487.2 and 5 more transcripts); c.2437dup, p.Ile813fs (NM_001199180.2, NM_001199181.3, NM_001378511.1); c.2320dup, p.Ile774fs (NM_001199182.2); c.2287dup, p.Ile763fs (NM_001199183.2, NM_001199184.3, NM_001378514.1); short protein forms I779fs, I813fs, I763fs, I774fs.
Identifiers: ClinVar variation 373762 (VCV000373762.1), dbSNP rs1057518594, ClinGen allele CA16042414.
Genomic context (GRCh38, chr3:130,997,693, plus strand): 5'-TGTCATTCGTAAACCTCCTCGCAACTGGAAAGACAGCATTTTGACTAAAAACTTGATACT[T>TA]AAAATACTTGTTTCATCAATAATCATTGTTTGTGGGACTTTGTTTGTCTTCTGGCGTGAG-3'

ClinVar aggregate classification (germline): Pathogenic (1 of 4 stars; one submission).

Submission:

GeneDx
Classification: Pathogenic. Last evaluated: 2016-12-02. Review status: criteria provided, single submitter. Criteria: GeneDx Variant Classification (06012015). Collection method: clinical testing. Allele origin: germline. Affected: yes.
Comment: The c.2335dupA pathogenic variant in the ATP2C1 gene causes a frameshift starting with codon Isoleucine 779, changes this amino acid to an Asparagine residue and creates a premature Stop codon at position 19 of the new reading frame, denoted p.Ile779AsnfsX19. This pathogenic variant is predicted to cause loss of normal protein function either through protein truncation or nonsense-mediated mRNA decay. The variant was not observed in approximately 6,500 individuals of European and African American ancestry in the NHLBI Exome Sequencing Project, indicating it is not a common benign variant in these populations. Although this pathogenic variant has not been previously reported to our knowledge, its presence is consistent with the diagnosis of Hailey-Hailey disease.